The following is an entry in ClinVar:

NM_013275.6(ANKRD11):c.4159_4160del (p.Lys1387fs)

Gene: ANKRD11 (ankyrin repeat domain 11; minus strand). Cytogenetic location: 16q24.3.
Variant type: Deletion.
Coding change: c.4159_4160del on transcript NM_013275.6 (MANE Select); coding-DNA positions 4159 to 4160, 2 bases deleted (AA; older notation c.4159_4160delAA).
Protein change: p.Lys1387fs; shifts the reading frame from lysine 1387.
Molecular consequence: frameshift variant.
Genome position (GRCh38, 1-based): chr16:89,282,382-89,282,383, TT deleted on the plus strand (AA on the coding strand, the reverse complement: ANKRD11 is on the minus strand). VCF-style (leftmost placement, unchanged base first): chr16-89282381-CTT-C. GRCh37 (hg19) VCF-style: chr16-89348789-CTT-C.
Other names: c.4159_4160del, p.Lys1387fs (NM_001256182.2, NM_001256183.2); short protein forms K1387fs.
Identifiers: ClinVar variation 4535394 (VCV004535394.6).

ClinVar aggregate classification (germline): Pathogenic (1 of 4 stars; one submission).

Submission:

CeGaT Center for Human Genetics Tuebingen
Classification: Pathogenic. Last evaluated: 2025-12-01. Review status: criteria provided, single submitter. Criteria: CeGaT Center For Human Genetics Tuebingen Variant Classification Criteria Version 2. Collection method: clinical testing. Allele origin: germline. Affected: yes. Observed: 1 variant allele.
Comment: ANKRD11: PVS1, PM2